The following is an entry in ClinVar:

ClinVar aggregate classification (germline): Uncertain significance (1 of 4 stars; one submission).

Conditions:
Hereditary cancer-predisposing syndrome. Also called: Neoplastic Syndromes, Hereditary; Tumor predisposition; Hereditary Cancer Syndrome; Hereditary neoplastic syndrome. Identifiers: Orphanet 140162, MedGen C0027672, MeSH D009386, MONDO:0015356.

Submission:

Ambry Genetics
Classification: Uncertain significance for Hereditary cancer-predisposing syndrome. Last evaluated: 2025-11-30. Review status: criteria provided, single submitter. Criteria: Ambry Variant Classification Scheme 2023. Collection method: clinical testing. Allele origin: germline.
Comment: The p.S1826P variant (also known as c.5476T>C), located in coding exon 24 of the DICER1 gene, results from a T to C substitution at nucleotide position 5476. The serine at codon 1826 is replaced by proline, an amino acid with similar properties. This amino acid position is conserved. In addition, this alteration is predicted to be deleterious by in silico analysis. Based on the available evidence, the clinical significance of this variant remains unclear.

NM_177438.3(DICER1):c.5476T>C (p.Ser1826Pro)

Gene: DICER1 (dicer 1, ribonuclease III; minus strand). Cytogenetic location: 14q32.13.
Variant type: single nucleotide variant.
Coding change: c.5476T>C on transcript NM_177438.3 (MANE Select); coding-DNA position 5476, T replaced by C.
Protein change: p.Ser1826Pro; replaces serine 1826 with proline.
Molecular consequence: missense variant. On other transcripts: non-coding transcript variant (6), intron variant (1).
Genome position (GRCh38, 1-based): chr14:95,091,254, A>G on the plus strand (T>C on the coding strand, the complement: DICER1 is on the minus strand). VCF-style: chr14-95091254-A-G. GRCh37 (hg19) VCF-style: chr14-95557591-A-G.
Other names: c.5476T>C, p.Ser1826Pro (NM_001271282.3, NM_001291628.2, NM_001395677.1 and 7 more transcripts); c.5194T>C, p.Ser1732Pro (NM_001395686.1); c.5071T>C, p.Ser1691Pro (NM_001395687.1, NM_001395688.1, NM_001395689.1 and 1 more transcripts); c.4909T>C, p.Ser1637Pro (NM_001395691.1); c.3793T>C, p.Ser1265Pro (NM_001395697.1); c.5365-145T>C (NM_001195573.1); short protein forms S1691P, S1732P, S1826P, S1265P, S1637P.
Identifiers: ClinVar variation 4637816 (VCV004637816.1).